The following is an entry in ClinVar:

ClinVar aggregate classification (germline): Conflicting classifications of pathogenicity. Review status: criteria provided, conflicting classifications (1 of 4 stars). 2 submissions from 2 submitters: Uncertain significance (1); Likely benign (1). Last evaluated 2025-11-05.

Conditions:
Fanconi anemia (FA). Also called: Fanconi's anemia. Identifiers: Orphanet 84, MedGen C0015625, MeSH D005199, MONDO:0019391.
Inborn genetic diseases. Identifiers: MedGen C0950123, MeSH D030342.

Allele frequency attached by ClinVar (database versions not stated): TOPMed 0.00001; gnomAD exomes 0.00002.
gnomAD v4.1: 9 of 1,608,824 alleles (0.00056%); highest among the groups gnomAD compares: Admixed American, 0.0084%; no homozygotes.

Submissions (2):

Labcorp Genetics (formerly Invitae), Labcorp
Classification: Uncertain significance for Fanconi anemia. Last evaluated: 2025-11-05. Review status: criteria provided, single submitter. Criteria: Invitae Variant Classification Sherloc (09022015). Collection method: clinical testing. Allele origin: germline.
Comment: This sequence change replaces arginine, which is basic and polar, with cysteine, which is neutral and slightly polar, at codon 474 of the FANCM protein (p.Arg474Cys). This variant is present in population databases (no rsID available, gnomAD 0.01%). This variant has not been reported in the literature in individuals affected with FANCM-related conditions. ClinVar contains an entry for this variant (Variation ID: 1494260). An algorithm developed to predict the effect of missense changes on protein structure and function outputs the following: PolyPhen-2: "Benign". The cysteine amino acid residue is found in multiple mammalian species, which suggests that this missense change does not adversely affect protein function. In summary, the available evidence is currently insufficient to determine the role of this variant in disease. Therefore, it has been classified as a Variant of Uncertain Significance.

Ambry Genetics
Classification: Likely benign for Inborn genetic diseases. Last evaluated: 2025-01-27. Review status: criteria provided, single submitter. Criteria: Ambry Variant Classification Scheme 2023. Collection method: clinical testing. Allele origin: germline.

NM_020937.4(FANCM):c.1420C>T (p.Arg474Cys)

Gene: FANCM (FA complementation group M; plus strand). Cytogenetic location: 14q21.2.
Variant type: single nucleotide variant.
Coding change: c.1420C>T on transcript NM_020937.4 (MANE Select); coding-DNA position 1420, C replaced by T.
Protein change: p.Arg474Cys; replaces arginine 474 with cysteine.
Molecular consequence: missense variant.
Genome position (GRCh38, 1-based): chr14:45,159,119, C>T. VCF-style: chr14-45159119-C-T. GRCh37 (hg19) VCF-style: chr14-45628322-C-T.
Other names: c.1342C>T, p.Arg448Cys (NM_001308133.2); c.1420C>T, p.Arg474Cys (NM_001308134.2); c.1420C>T (NM_020937.2); short protein forms R448C, R474C.
Identifiers: ClinVar variation 1494260 (VCV001494260.8), dbSNP rs999205481, ClinGen allele CA259618702.
Genomic context (GRCh38, chr14:45,159,119, plus strand): 5'-AAAAAGTTGTAATTAAAGTTTTTATATATATATATAGCTGAAAACACTACTGAAAAGAAA[C>T]GTGATGAGACCCGAGTTATGATCTTCTCTTCATTTCGAGATAGTGTTCAAGAAATTGCAG-3'
Protein context (NP_065988.1, residues 464-484): WNAENTTEKK[Arg474Cys]DETRVMIFSS